The following is an entry in ClinVar:

NM_001039141.3(TRIOBP):c.5930G>A (p.Arg1977Gln)

Gene: TRIOBP (TRIO and F-actin binding protein; plus strand). Cytogenetic location: 22q13.1.
Variant type: single nucleotide variant.
Coding change: c.5930G>A on transcript NM_001039141.3 (MANE Select); coding-DNA position 5930, G replaced by A.
Protein change: p.Arg1977Gln; replaces arginine 1977 with glutamine.
Molecular consequence: missense variant.
Genome position (GRCh38, 1-based): chr22:37,757,855, G>A. VCF-style: chr22-37757855-G-A. GRCh37 (hg19) VCF-style: chr22-38153862-G-A.
Other names: c.791G>A, p.Arg264Gln (NM_007032.5, NM_138632.2); short protein forms R1977Q, R264Q.
Identifiers: ClinVar variation 3388509 (VCV003388509.14).
Genomic context (GRCh38, chr22:37,757,855, plus strand): 5'-AGCGGGCCCGCACCCCAGCCCGCACTCCTGACCGCCTGGCCAAGCAGGAGGAGCTGGAGC[G>A]GGACCTGGCCCAGCGCTCCGAGGAGCGGCGCAAGTGGTTTGAGGCCACAGACAGCAGGAC-3'
Protein context (NP_001034230.1, residues 1967-1987): DRLAKQEELE[Arg1977Gln]DLAQRSEERR

ClinVar aggregate classification (germline): Uncertain significance (1 of 4 stars; one submission).

gnomAD v4.1: 19 of 1,551,980 alleles (0.0012%); highest among the groups gnomAD compares: Admixed American, 0.029%; no homozygotes.

Submission:

CeGaT Center for Human Genetics Tuebingen
Classification: Uncertain significance. Last evaluated: 2024-10-01. Review status: criteria provided, single submitter. Criteria: CeGaT Center For Human Genetics Tuebingen Variant Classification Criteria Version 2. Collection method: clinical testing. Allele origin: germline. Affected: yes. Observed: 1 variant allele.
Comment: TRIOBP: PM2:Supporting